The following is an entry in ClinVar:

ClinVar aggregate classification (germline): Uncertain significance (1 of 4 stars; one submission).

Submission:

Labcorp Genetics (formerly Invitae), Labcorp
Classification: Uncertain significance. Last evaluated: 2023-07-22. Review status: criteria provided, single submitter. Criteria: Invitae Variant Classification Sherloc (09022015). Collection method: clinical testing. Allele origin: germline.
Comment: This sequence change replaces serine, which is neutral and polar, with asparagine, which is neutral and polar, at codon 336 of the SAMD9 protein (p.Ser336Asn). This variant is not present in population databases (gnomAD no frequency). This variant has not been reported in the literature in individuals affected with SAMD9-related conditions. Advanced modeling of protein sequence and biophysical properties (such as structural, functional, and spatial information, amino acid conservation, physicochemical variation, residue mobility, and thermodynamic stability) performed at Invitae indicates that this missense variant is not expected to disrupt SAMD9 protein function. In summary, the available evidence is currently insufficient to determine the role of this variant in disease. Therefore, it has been classified as a Variant of Uncertain Significance.

NM_017654.4(SAMD9):c.1007G>A (p.Ser336Asn)

Gene: SAMD9 (sterile alpha motif domain containing 9; minus strand). Cytogenetic location: 7q21.2.
Variant type: single nucleotide variant.
Coding change: c.1007G>A on transcript NM_017654.4 (MANE Select); coding-DNA position 1007, G replaced by A.
Protein change: p.Ser336Asn; replaces serine 336 with asparagine.
Molecular consequence: missense variant.
Genome position (GRCh38, 1-based): chr7:93,105,091, C>T on the plus strand (G>A on the coding strand, the complement: SAMD9 is on the minus strand). VCF-style: chr7-93105091-C-T. GRCh37 (hg19) VCF-style: chr7-92734404-C-T.
Other names: c.1007G>A, p.Ser336Asn (NM_001193307.2); short protein forms S336N.
Identifiers: ClinVar variation 2745956 (VCV002745956.3), dbSNP rs1189250576, ClinGen allele CA368202742.